The following is an entry in ClinVar:

ClinVar aggregate classification (germline): Uncertain significance (1 of 4 stars; one submission).

Conditions:
Cardiovascular phenotype. Identifiers: MedGen CN230736.

Submission:

Ambry Genetics
Classification: Uncertain significance for Cardiovascular phenotype. Last evaluated: 2025-11-15. Review status: criteria provided, single submitter. Criteria: Ambry Variant Classification Scheme 2023. Collection method: clinical testing. Allele origin: germline.
Comment: The p.P582A variant (also known as c.1744C>G), located in coding exon 13 of the APOB gene, results from a C to G substitution at nucleotide position 1744. The proline at codon 582 is replaced by alanine, an amino acid with highly similar properties. This amino acid position is conserved. In addition, this alteration is predicted to be tolerated by in silico analysis. Based on the available evidence, the clinical significance of this variant remains unclear.

NM_000384.3(APOB):c.1744C>G (p.Pro582Ala)

Gene: APOB (apolipoprotein B; minus strand). Cytogenetic location: 2p24.1.
Variant type: single nucleotide variant.
Coding change: c.1744C>G on transcript NM_000384.3 (MANE Select); coding-DNA position 1744, C replaced by G.
Protein change: p.Pro582Ala; replaces proline 582 with alanine.
Molecular consequence: missense variant.
Genome position (GRCh38, 1-based): chr2:21,028,412, G>C on the plus strand (C>G on the coding strand, the complement: APOB is on the minus strand). VCF-style: chr2-21028412-G-C. GRCh37 (hg19) VCF-style: chr2-21251284-G-C.
Other names: short protein forms P582A.
Identifiers: ClinVar variation 4613686 (VCV004613686.1).